The following is an entry in ClinVar:

NM_022552.5(DNMT3A):c.1588G>A (p.Asp530Asn)

Gene: DNMT3A (DNA methyltransferase 3 alpha; minus strand). Cytogenetic location: 2p23.3.
Variant type: single nucleotide variant.
Coding change: c.1588G>A on transcript NM_022552.5 (MANE Select); coding-DNA position 1588, G replaced by A.
Protein change: p.Asp530Asn; replaces aspartic acid 530 with asparagine.
Molecular consequence: missense variant. On other transcripts: non-coding transcript variant (1).
Genome position (GRCh38, 1-based): chr2:25,244,619, C>T on the plus strand (G>A on the coding strand, the complement: DNMT3A is on the minus strand). VCF-style: chr2-25244619-C-T. GRCh37 (hg19) VCF-style: chr2-25467488-C-T.
Other names: c.1132G>A, p.Asp378Asn (NM_001320893.1); c.919G>A, p.Asp307Asn (NM_001375819.1); c.1021G>A, p.Asp341Asn (NM_153759.3); c.1588G>A, p.Asp530Asn (NM_175629.2); short protein forms D307N, D341N, D378N, D530N.
Identifiers: ClinVar variation 3899120 (VCV003899120.1).

ClinVar aggregate classification (germline): Uncertain significance (1 of 4 stars; one submission).

Submission:

GeneDx
Classification: Uncertain significance. Last evaluated: 2024-11-08. Review status: criteria provided, single submitter. Criteria: GeneDx Variant Classification Process June 2021. Collection method: clinical testing. Allele origin: germline. Affected: yes.
Comment: Not observed at significant frequency in large population cohorts (gnomAD); In silico analysis supports that this missense variant has a deleterious effect on protein structure/function; Has not been previously published as pathogenic or benign to our knowledge